The following is an entry in ClinVar:

ClinVar aggregate classification (germline): Pathogenic. Review status: criteria provided, single submitter (1 of 4 stars). 3 submissions from 3 submitters: Pathogenic (1). 2 of the submissions do not count toward it. Last evaluated 2025-01-27.

Conditions:
Alexander disease (ALXDRD). Also called: Alexander's disease. Identifiers: Orphanet 58, MedGen C0270726, MONDO:0008752, OMIM 203450.

Submissions (3):

Labcorp Genetics (formerly Invitae), Labcorp
Classification: Pathogenic. Last evaluated: 2025-01-27. Review status: criteria provided, single submitter. Criteria: Invitae Variant Classification Sherloc (09022015). Collection method: clinical testing. Allele origin: germline.
Comment: This sequence change replaces leucine, which is neutral and non-polar, with proline, which is neutral and non-polar, at codon 359 of the GFAP protein (p.Leu359Pro). This variant is not present in population databases (gnomAD no frequency). This missense change has been observed in individuals with clinical features of Alexander disease (PMID: 17509491, 17894839, 18388212). ClinVar contains an entry for this variant (Variation ID: 66430). Invitae Evidence Modeling of protein sequence and biophysical properties (such as structural, functional, and spatial information, amino acid conservation, physicochemical variation, residue mobility, and thermodynamic stability) indicates that this missense variant is expected to disrupt GFAP protein function with a positive predictive value of 95%. This variant disrupts the p.Leu359 amino acid residue in GFAP. Other variant(s) that disrupt this residue have been determined to be pathogenic (PMID: 15732097, 22566711). This suggests that this residue is clinically significant, and that variants that disrupt this residue are likely to be disease-causing. For these reasons, this variant has been classified as Pathogenic.

Epithelial Biology;  Institute of Medical Biology, Singapore
No classification provided. Review status: no classification provided. Collection method: not provided. Allele origin: not provided. Not counted in ClinVar's aggregate classification.

GeneReviews
No classification provided. Condition: Alexander disease. Review status: no classification provided. Collection method: literature only. Allele origin: germline. Not counted in ClinVar's aggregate classification.

Literature cited by the submitters: PubMed 17509491 (cited by Labcorp Genetics (formerly Invitae), Labcorp and GeneReviews); PubMed 17894839 (cited by Labcorp Genetics (formerly Invitae), Labcorp and GeneReviews); PubMed 18388212 (cited by Labcorp Genetics (formerly Invitae), Labcorp and GeneReviews); PubMed 15732097 (cited by Labcorp Genetics (formerly Invitae), Labcorp); PubMed 22566711 (cited by Labcorp Genetics (formerly Invitae), Labcorp); NCBI Bookshelf NBK1172 (cited by GeneReviews); PubMed 18684770 (cited by GeneReviews).

NM_002055.5(GFAP):c.1076T>C (p.Leu359Pro)

Genes: GFAP (glial fibrillary acidic protein; minus strand), LOC130060994 (ATAC-STARR-seq lymphoblastoid active region 12266; plus strand). Cytogenetic location: 17q21.31.
Variant type: single nucleotide variant.
Coding change: c.1076T>C on transcript NM_002055.5 (MANE Select); coding-DNA position 1076, T replaced by C.
Protein change: p.Leu359Pro; replaces leucine 359 with proline.
Molecular consequence: missense variant.
Genome position (GRCh38, 1-based): chr17:44,911,287, A>G on the plus strand (T>C on the coding strand, the complement: GFAP is on the minus strand). VCF-style: chr17-44911287-A-G. GRCh37 (hg19) VCF-style: chr17-42988655-A-G.
Other names: c.1076T>C, p.Leu359Pro (NM_001131019.3, NM_001242376.3, NM_001363846.2); short protein forms L359P.
Identifiers: ClinVar variation 66430 (VCV000066430.8), dbSNP rs267607511, ClinGen allele CA217104.